The following is an entry in ClinVar:

ClinVar aggregate classification (germline): Conflicting classifications of pathogenicity. Review status: criteria provided, conflicting classifications (1 of 4 stars). 8 submissions from 8 submitters: Uncertain significance (6); Likely benign (2). Last evaluated 2026-01-07.

Conditions:
LZTR1-related schwannomatosis. Also called: Schwannomatosis 2; Schwannomatosis-2, susceptibility to. Identifiers: Orphanet 93921, MedGen C3810283, MONDO:0014299, OMIM 615670.
Noonan syndrome 10 (NS10). Identifiers: Orphanet 648, MedGen C4225280, MONDO:0014693, OMIM 616564.
Noonan syndrome 2 (NS2). Identifiers: Orphanet 648, MedGen C1854469, MONDO:0011531, OMIM 605275.
Hereditary cancer-predisposing syndrome. Also called: Hereditary Cancer Syndrome; Neoplastic Syndromes, Hereditary; Tumor predisposition; Hereditary neoplastic syndrome. Identifiers: Orphanet 140162, MedGen C0027672, MeSH D009386, MONDO:0015356.
Cardiovascular phenotype. Identifiers: MedGen CN230736.

Allele frequency attached by ClinVar (database versions not stated): ExAC 0.00003; gnomAD 0.00003 and 0.00005; ESP Exome Variant Server 0.00008; TOPMed 0.00011; 1000 Genomes Project 30x 0.00031.
gnomAD v4.1: 27 of 1,601,696 alleles (0.0017%); highest among the groups gnomAD compares: African/African-American, 0.017%; no homozygotes.

Submissions (8):

Labcorp Genetics (formerly Invitae), Labcorp
Classification: Uncertain significance. Last evaluated: 2026-01-07. Review status: criteria provided, single submitter. Criteria: Invitae Variant Classification Sherloc (09022015). Collection method: clinical testing. Allele origin: germline.
Comment: This sequence change replaces arginine, which is basic and polar, with glutamine, which is neutral and polar, at codon 519 of the LZTR1 protein (p.Arg519Gln). This variant is present in population databases (rs149502567, gnomAD 0.01%). This variant has not been reported in the literature in individuals affected with LZTR1-related conditions. ClinVar contains an entry for this variant (Variation ID: 1310585). Invitae Evidence Modeling of protein sequence and biophysical properties (such as structural, functional, and spatial information, amino acid conservation, physicochemical variation, residue mobility, and thermodynamic stability) indicates that this missense variant is not expected to disrupt LZTR1 protein function with a negative predictive value of 80%. In summary, the available evidence is currently insufficient to determine the role of this variant in disease. Therefore, it has been classified as a Variant of Uncertain Significance.

Greenwood Genetic Center Diagnostic Laboratories, Greenwood Genetic Center
Classification: Uncertain significance. Last evaluated: 2025-01-29. Review status: criteria provided, single submitter. Criteria: ACMG Guidelines, 2015. Collection method: clinical testing. Allele origin: germline.
Comment: BP4

Ambry Genetics
Classification: Likely benign for Cardiovascular phenotype; Hereditary cancer-predisposing syndrome. Last evaluated: 2024-12-23. Review status: criteria provided, single submitter. Criteria: Ambry Variant Classification Scheme 2023. Collection method: clinical testing. Allele origin: germline.

GeneDx
Classification: Uncertain significance. Last evaluated: 2024-10-18. Review status: criteria provided, single submitter. Criteria: GeneDx Variant Classification Process June 2021. Collection method: clinical testing. Allele origin: germline. Affected: yes.
Comment: In silico analysis indicates that this missense variant does not alter protein structure/function; Has not been previously published as pathogenic or benign to our knowledge

Blueprint Genetics
Classification: Likely benign. Last evaluated: 2024-07-12. Review status: criteria provided, single submitter. Criteria: ACMG Guidelines, 2015. Collection method: clinical testing. Allele origin: germline.

Fulgent Genetics
Classification: Uncertain significance for Noonan syndrome 2; LZTR1-related schwannomatosis; Noonan syndrome 10. Last evaluated: 2024-06-17. Review status: criteria provided, single submitter. Criteria: ACMG Guidelines, 2015. Collection method: clinical testing. Allele origin: germline.

Baylor Genetics
Classification: Uncertain significance for LZTR1-related schwannomatosis. Last evaluated: 2024-03-22. Review status: criteria provided, single submitter. Criteria: ACMG Guidelines, 2015. Collection method: clinical testing. Allele origin: unknown.

Clinical Genomics Laboratory, Washington University in St. Louis
Classification: Uncertain significance for Noonan syndrome 10; Noonan syndrome 2. Last evaluated: 2023-12-20. Review status: criteria provided, single submitter. Criteria: ACMG Guidelines, 2015. Collection method: clinical testing. Allele origin: germline.
Comment: The LZTR1 c.1556G>A (p.Arg519Gln) variant was identified at a near heterozygous allelic fraction of 48.63%, a frequency which may be consistent with it being of germline origin. This variant, to our knowledge, has not been reported in the medical literature. This variant has been reported in the ClinVar database as a variant of uncertain significance by multiple submitters (ClinVar ID: 1310585). This variant is only observed on 27/1,601,696 alleles in the general population (gnomAD v.4.0.0), indicating it is not a common variant. Computational predictors suggest that the variant does not impact LZTR1 function. Due to limited information, and based on ACMG/AMP guidelines for variant interpretation (Richards S et al., PMID: 25741868), the clinical significance of this variant is uncertain at this time.

NM_006767.4(LZTR1):c.1556G>A (p.Arg519Gln)

Gene: LZTR1 (leucine zipper like post translational regulator 1; plus strand). Cytogenetic location: 22q11.21.
Variant type: single nucleotide variant.
Coding change: c.1556G>A on transcript NM_006767.4 (MANE Select); coding-DNA position 1556, G replaced by A.
Protein change: p.Arg519Gln; replaces arginine 519 with glutamine.
Molecular consequence: missense variant.
Genome position (GRCh38, 1-based): chr22:20,994,210, G>A. VCF-style: chr22-20994210-G-A. GRCh37 (hg19) VCF-style: chr22-21348499-G-A.
Other names: short protein forms R519Q.
Identifiers: ClinVar variation 1310585 (VCV001310585.17), dbSNP rs149502567, ClinGen allele CA10118941.